The following is an entry in ClinVar:

NM_000384.3(APOB):c.3220G>A (p.Gly1074Arg)

Gene: APOB (apolipoprotein B; minus strand). Cytogenetic location: 2p24.1.
Variant type: single nucleotide variant.
Coding change: c.3220G>A on transcript NM_000384.3 (MANE Select); coding-DNA position 3220, G replaced by A.
Protein change: p.Gly1074Arg; replaces glycine 1074 with arginine.
Molecular consequence: missense variant.
Genome position (GRCh38, 1-based): chr2:21,016,551, C>T on the plus strand (G>A on the coding strand, the complement: APOB is on the minus strand). VCF-style: chr2-21016551-C-T. GRCh37 (hg19) VCF-style: chr2-21239423-C-T.
Other names: short protein forms G1074R.
Identifiers: ClinVar variation 895983 (VCV000895983.16), dbSNP rs72653074, ClinGen allele CA058290.

ClinVar aggregate classification (germline): Conflicting classifications of pathogenicity. Review status: criteria provided, conflicting classifications (1 of 4 stars). 6 submissions from 5 submitters: Uncertain significance (5); Benign (1). Last evaluated 2025-04-11.

Conditions:
Cardiovascular phenotype. Identifiers: MedGen CN230736.
Familial hypobetalipoproteinemia 1. Also called: APOB-Related Familial Hypobetalipoproteinemia; Hypobetalipoproteinemia, normotriglyceridemic; Acanthocytosis with hypobetalipoproteinemia. Identifiers: MedGen C4551990, MONDO:0014252, OMIM 615558.
Hypercholesterolemia, autosomal dominant, type B (FHCL2). Also called: Hyperlipoproteinemia Type IIb; APOLIPOPROTEIN B-100, FAMILIAL DEFECTIVE; APOLIPOPROTEIN B-100, FAMILIAL LIGAND-DEFECTIVE; HYPERCHOLESTEROLEMIA, FAMILIAL, DUE TO LIGAND-DEFECTIVE APOLIPOPROTEIN B; APOB-Related Familial Hypercholesterolemia, Autosomal Dominant; Familial Hypercholesterolemia Type B. Identifiers: MedGen C1704417, MONDO:0007751, OMIM 144010.

Allele frequency attached by ClinVar (database versions not stated): ExAC 0.00002; gnomAD exomes 0.00002 and 0.00004; TOPMed 0.00003; gnomAD 0.00004 and 0.00005; ESP Exome Variant Server 0.00008; 1000 Genomes Project 30x 0.00016; 1000 Genomes Project 0.00020.
gnomAD v4.1: 62 of 1,607,356 alleles (0.0039%); highest among the groups gnomAD compares: Non-Finnish European, 0.0048%; no homozygotes.

Submissions (6):

Labcorp Genetics (formerly Invitae), Labcorp
Classification: Benign for Familial hypobetalipoproteinemia 1; Hypercholesterolemia, autosomal dominant, type B. Last evaluated: 2025-04-11. Review status: criteria provided, single submitter. Criteria: Invitae Variant Classification Sherloc (09022015). Collection method: clinical testing. Allele origin: germline.

Ambry Genetics
Classification: Uncertain significance for Cardiovascular phenotype. Last evaluated: 2024-08-28. Review status: criteria provided, single submitter. Criteria: Ambry Variant Classification Scheme 2023. Collection method: clinical testing. Allele origin: germline.
Comment: The p.G1074R variant (also known as c.3220G>A), located in coding exon 21 of the APOB gene, results from a G to A substitution at nucleotide position 3220. The glycine at codon 1074 is replaced by arginine, an amino acid with dissimilar properties. This amino acid position is conserved. In addition, the in silico prediction for this alteration is inconclusive. Since supporting evidence is limited at this time, the clinical significance of this alteration remains unclear.

Revvity Omics, Revvity
Classification: Uncertain significance. Last evaluated: 2024-03-14. Review status: criteria provided, single submitter. Criteria: ACMG Guidelines, 2015. Collection method: clinical testing. Allele origin: germline.

Fulgent Genetics
Classification: Uncertain significance for Hypercholesterolemia, autosomal dominant, type B; Familial hypobetalipoproteinemia 1. Last evaluated: 2021-10-11. Review status: criteria provided, single submitter. Criteria: ACMG Guidelines, 2015. Collection method: clinical testing. Allele origin: unknown.

Illumina Laboratory Services, Illumina
Classification: Uncertain significance for Hypercholesterolemia, autosomal dominant, type B. Last evaluated: 2017-04-27. Review status: criteria provided, single submitter. Criteria: ICSL Variant Classification Criteria 13 December 2019. Collection method: clinical testing. Allele origin: germline.

Illumina Laboratory Services, Illumina
Classification: Uncertain significance for Familial hypobetalipoproteinemia 1. Last evaluated: 2017-04-27. Review status: criteria provided, single submitter. Criteria: ICSL Variant Classification Criteria 13 December 2019. Collection method: clinical testing. Allele origin: germline.